The following is an entry in ClinVar:

ClinVar aggregate classification (germline): Benign/Likely benign. Review status: criteria provided, multiple submitters, no conflicts (2 of 4 stars). 2 submissions from 2 submitters: Benign (1); Likely benign (1). Last evaluated 2026-01-28.

Allele frequency attached by ClinVar (database versions not stated): ESP Exome Variant Server 0.00008; gnomAD 0.00020 and 0.00024; TOPMed 0.00030; gnomAD exomes 0.00045 and 0.00087; ExAC 0.00103; 1000 Genomes Project 30x 0.00125; 1000 Genomes Project 0.00140.
gnomAD v4.1: 688 of 1,577,654 alleles (0.044%); highest among the groups gnomAD compares: South Asian, 0.55%; 13 homozygotes.

Submissions (2):

Labcorp Genetics (formerly Invitae), Labcorp
Classification: Benign. Last evaluated: 2026-01-28. Review status: criteria provided, single submitter. Criteria: Invitae Variant Classification Sherloc (09022015). Collection method: clinical testing. Allele origin: germline.

GeneDx
Classification: Likely benign. Last evaluated: 2017-11-21. Review status: criteria provided, single submitter. Criteria: GeneDx Variant Classification (06012015). Collection method: clinical testing. Allele origin: germline. Affected: yes.
Comment: This variant is considered likely benign or benign based on one or more of the following criteria: it is a conservative change, it occurs at a poorly conserved position in the protein, it is predicted to be benign by multiple in silico algorithms, and/or has population frequency not consistent with disease.

NM_174889.5(NDUFAF2):c.258+18G>A

Gene: NDUFAF2 (NADH:ubiquinone oxidoreductase complex assembly factor 2; plus strand). Cytogenetic location: 5q12.1.
Variant type: single nucleotide variant.
Coding change: c.258+18G>A on transcript NM_174889.5 (MANE Select); 18 bases into the intron after coding-DNA position 258, G replaced by A.
Molecular consequence: intron variant.
Genome position (GRCh38, 1-based): chr5:61,099,050, G>A. VCF-style: chr5-61099050-G-A. GRCh37 (hg19) VCF-style: chr5-60394877-G-A.
Identifiers: ClinVar variation 389186 (VCV000389186.6), dbSNP rs373033855, ClinGen allele CA3278157.